The following is an entry in ClinVar:

ClinVar aggregate classification (germline): Uncertain significance (1 of 4 stars; one submission).

Submission:

Labcorp Genetics (formerly Invitae), Labcorp
Classification: Uncertain significance. Last evaluated: 2024-11-30. Review status: criteria provided, single submitter. Criteria: Invitae Variant Classification Sherloc (09022015). Collection method: clinical testing. Allele origin: germline.
Comment: This sequence change replaces alanine, which is neutral and non-polar, with threonine, which is neutral and polar, at codon 474 of the KRT1 protein (p.Ala474Thr). This variant is present in population databases (no rsID available, gnomAD 0.0009%). This variant has not been reported in the literature in individuals affected with KRT1-related conditions. An algorithm developed to predict the effect of missense changes on protein structure and function outputs the following: PolyPhen-2: "Possibly Damaging". The threonine amino acid residue is found in multiple mammalian species, which suggests that this missense change does not adversely affect protein function. In summary, the available evidence is currently insufficient to determine the role of this variant in disease. Therefore, it has been classified as a Variant of Uncertain Significance.

NM_006121.4(KRT1):c.1420G>A (p.Ala474Thr)

Gene: KRT1 (keratin 1; minus strand). Cytogenetic location: 12q13.13.
Variant type: single nucleotide variant.
Coding change: c.1420G>A on transcript NM_006121.4 (MANE Select); coding-DNA position 1420, G replaced by A.
Protein change: p.Ala474Thr; replaces alanine 474 with threonine.
Molecular consequence: missense variant.
Genome position (GRCh38, 1-based): chr12:52,676,330, C>T on the plus strand (G>A on the coding strand, the complement: KRT1 is on the minus strand). VCF-style: chr12-52676330-C-T. GRCh37 (hg19) VCF-style: chr12-53070114-C-T.
Other names: short protein forms A474T.
Identifiers: ClinVar variation 3605584 (VCV003605584.2).
Genomic context (GRCh38, chr12:52,676,330, plus strand): 5'-CTCACCTGCTTTCTTCTCCCTCCAGGAGGGTCCTGTAGGTGGCAATCTCCAGATCCAGGG[C>T]CAGCTTTGTGTTCATCAGCTCCTGGTAGTCGCGCAGCAGGCGGGCCAGGTCTTCCTTGGC-3'
Protein context (NP_006112.3, residues 464-484): DYQELMNTKL[Ala474Thr]LDLEIATYRT